The following is an entry in ClinVar:

NM_206933.4(USH2A):c.10585+6G>C

Gene: USH2A (usherin; minus strand). Cytogenetic location: 1q41.
Variant type: single nucleotide variant.
Coding change: c.10585+6G>C on transcript NM_206933.4 (MANE Select); 6 bases into the intron after coding-DNA position 10585, G replaced by C.
Molecular consequence: intron variant.
Genome position (GRCh38, 1-based): chr1:215,782,732, C>G on the plus strand (G>C on the coding strand, the complement: USH2A is on the minus strand). VCF-style: chr1-215782732-C-G. GRCh37 (hg19) VCF-style: chr1-215956074-C-G.
Identifiers: ClinVar variation 2123630 (VCV002123630.3), dbSNP rs2464394032, ClinGen allele CA2580062049.
Genomic context (GRCh38, chr1:215,782,732, plus strand): 5'-ACTCATTTCAATTTTCTTATGAATTTATGGGATTTTGTTATTTGTATTTTAAAGGTATCT[C>G]AATACCATTTGATTGTATAGGTTTTCTCCAGTTTAAGACAATTGTATCTTCAAGATTGTC-3'

ClinVar aggregate classification (germline): Uncertain significance (1 of 4 stars; one submission).

Submission:

Labcorp Genetics (formerly Invitae), Labcorp
Classification: Uncertain significance. Last evaluated: 2023-11-28. Review status: criteria provided, single submitter. Criteria: Invitae Variant Classification Sherloc (09022015). Collection method: clinical testing. Allele origin: germline.
Comment: This sequence change falls in intron 53 of the USH2A gene. It does not directly change the encoded amino acid sequence of the USH2A protein. It affects a nucleotide within the consensus splice site. This variant is not present in population databases (gnomAD no frequency). This variant has not been reported in the literature in individuals affected with USH2A-related conditions. ClinVar contains an entry for this variant (Variation ID: 2123630). Variants that disrupt the consensus splice site are a relatively common cause of aberrant splicing (PMID: 17576681, 9536098). Algorithms developed to predict the effect of sequence changes on RNA splicing suggest that this variant is not likely to affect RNA splicing. In summary, the available evidence is currently insufficient to determine the role of this variant in disease. Therefore, it has been classified as a Variant of Uncertain Significance.

Literature cited by the submitters: PubMed 17576681; PubMed 9536098.